The following is an entry in ClinVar:

NM_000459.5(TEK):c.3361G>A (p.Glu1121Lys)

Gene: TEK (TEK receptor tyrosine kinase; plus strand). Cytogenetic location: 9p21.2.
Variant type: single nucleotide variant.
Coding change: c.3361G>A on transcript NM_000459.5 (MANE Select); coding-DNA position 3361, G replaced by A.
Protein change: p.Glu1121Lys; replaces glutamic acid 1121 with lysine.
Molecular consequence: missense variant.
Genome position (GRCh38, 1-based): chr9:27,229,218, G>A. VCF-style: chr9-27229218-G-A. GRCh37 (hg19) VCF-style: chr9-27229216-G-A.
Other names: c.3232G>A, p.Glu1078Lys (NM_001290077.2); c.2917G>A, p.Glu973Lys (NM_001290078.2); c.3358G>A, p.Glu1120Lys (NM_001375475.1); c.3229G>A, p.Glu1077Lys (NM_001375476.1); short protein forms E973K, E1077K, E1078K, E1120K, E1121K.
Identifiers: ClinVar variation 4974563 (VCV004974563.1).

ClinVar aggregate classification (germline): Uncertain significance (1 of 4 stars; one submission).

Submission:

Clinical Genomics Laboratory, Washington University in St. Louis
Classification: Uncertain significance. Last evaluated: 2026-02-02. Review status: criteria provided, single submitter. Criteria: Leon-Quintero et al. (Clin Genet. 2025). Collection method: clinical testing. Allele origin: somatic.
Comment: A TEK c.3361G>A (p.Glu1121Lys) variant was identified at an allelic fraction consistent with somatic origin. This variant, to our knowledge, has not been reported in the medical literature or in the ClinVar database. It is absent from the general population (gnomAD v4.1.0), indicating it is not a common variant. The TEK c.3361G>A (p.Glu1121Lys) variant resides within a region, the C terminus, of TEK that is defined as a critical functional domain (Niu XL et al., PMID: 12082108). Due to limited information, and based on internally developed protocol informed by the ACMG/AMP guidelines for variant interpretation and gene-specific practices from the ClinGen Criteria Specification Registry (Leon-Quintero FZ et al., PMID: 39434542), the clinical significance of the TEK c.3361G>A (p.Glu1121Lys) is uncertain at this time.